The following is an entry in ClinVar:

ClinVar aggregate classification (germline): Uncertain significance. Review status: criteria provided, multiple submitters, no conflicts (2 of 4 stars). 2 submissions from 2 submitters: Uncertain significance (2). Last evaluated 2025-11-30.

Allele frequency attached by ClinVar (database versions not stated): gnomAD 0.00002 and 0.00003; gnomAD exomes 0.00002 and 0.00007; TOPMed 0.00003; ExAC 0.00007.
gnomAD v4.1: 37 of 1,614,246 alleles (0.0023%); highest among the groups gnomAD compares: East Asian, 0.031%; no homozygotes.

Submissions (2):

Labcorp Genetics (formerly Invitae), Labcorp
Classification: Uncertain significance. Last evaluated: 2025-11-30. Review status: criteria provided, single submitter. Criteria: Invitae Variant Classification Sherloc (09022015). Collection method: clinical testing. Allele origin: germline.
Comment: This sequence change replaces lysine, which is basic and polar, with threonine, which is neutral and polar, at codon 231 of the ANKZF1 protein (p.Lys231Thr). This variant is present in population databases (rs760125245, gnomAD 0.06%). This variant has not been reported in the literature in individuals affected with ANKZF1-related conditions. ClinVar contains an entry for this variant (Variation ID: 1404492). An algorithm developed to predict the effect of missense changes on protein structure and function (PolyPhen-2) suggests that this variant is likely to be disruptive. In summary, the available evidence is currently insufficient to determine the role of this variant in disease. Therefore, it has been classified as a Variant of Uncertain Significance.

Ambry Genetics
Classification: Uncertain significance. Last evaluated: 2024-11-25. Review status: criteria provided, single submitter. Criteria: Ambry Variant Classification Scheme 2023. Collection method: clinical testing. Allele origin: germline.

NM_018089.3(ANKZF1):c.692A>C (p.Lys231Thr)

Gene: ANKZF1 (ankyrin repeat and zinc finger peptidyl tRNA hydrolase 1; plus strand). Cytogenetic location: 2q35.
Variant type: single nucleotide variant.
Coding change: c.692A>C on transcript NM_018089.3 (MANE Select); coding-DNA position 692, A replaced by C.
Protein change: p.Lys231Thr; replaces lysine 231 with threonine.
Molecular consequence: missense variant.
Genome position (GRCh38, 1-based): chr2:219,233,306, A>C. VCF-style: chr2-219233306-A-C. GRCh37 (hg19) VCF-style: chr2-220098028-A-C.
Other names: c.692A>C, p.Lys231Thr (NM_001042410.2); c.62A>C, p.Lys21Thr (NM_001282792.2); c.692A>C (NM_018089.2); short protein forms K21T, K231T.
Identifiers: ClinVar variation 1404492 (VCV001404492.9), dbSNP rs760125245, ClinGen allele CA2120836.